The following is an entry in ClinVar:

NM_000742.4(CHRNA2):c.859_862delinsC (p.Phe287_Tyr288delinsHis)

Gene: CHRNA2 (cholinergic receptor nicotinic alpha 2 subunit; minus strand). Cytogenetic location: 8p21.2.
Variant type: Indel.
Coding change: c.859_862delinsC on transcript NM_000742.4 (MANE Select); coding-DNA positions 859 to 862, TTCT replaced by C.
Protein change: p.Phe287_Tyr288delinsHis.
Molecular consequence: inframe indel.
Genome position (GRCh38, 1-based): chr8:27,463,581-27,463,584, AGAA replaced by G on the plus strand (TTCT replaced by C on the coding strand, the reverse complement: CHRNA2 is on the minus strand). VCF-style: chr8-27463581-AGAA-G. GRCh37 (hg19) VCF-style: chr8-27321098-AGAA-G.
Other names: c.814_817delinsC, p.Phe272_Tyr273delinsHis (NM_001282455.2); c.382_385delinsC, p.Phe128_Tyr129delinsHis (NM_001347705.2, NM_001347706.2); c.265_268delinsC, p.Phe89_Tyr90delinsHis (NM_001347707.2, NM_001347708.2).
Identifiers: ClinVar variation 497525 (VCV000497525.7), dbSNP rs1554514518, ClinGen allele CA658797073.

ClinVar aggregate classification (germline): Uncertain significance. Review status: criteria provided, multiple submitters, no conflicts (2 of 4 stars). 2 submissions from 2 submitters: Uncertain significance (2). Last evaluated 2024-10-04.

Conditions:
Familial sleep-related hypermotor epilepsy. Also called: Autosomal Dominant Sleep-Related Hypermotor (Hyperkinetic) Epilepsy. Identifiers: Orphanet 98784, MedGen C3696898, MONDO:0000030.

Submissions (2):

Labcorp Genetics (formerly Invitae), Labcorp
Classification: Uncertain significance. Last evaluated: 2024-10-04. Review status: criteria provided, single submitter. Criteria: Invitae Variant Classification Sherloc (09022015). Collection method: clinical testing. Allele origin: germline.
Comment: This variant, c.859_862delinsC, is a complex sequence change that results in the deletion of 2 and insertion of 1 amino acid(s) in the CHRNA2 protein (p.Phe287_Tyr288delinsHis). Information on the frequency of this variant in the gnomAD database is not available, as this variant may be reported differently in the database. This variant has not been reported in the literature in individuals affected with CHRNA2-related conditions. Experimental studies and prediction algorithms are not available or were not evaluated, and the functional significance of this variant is currently unknown. In summary, the available evidence is currently insufficient to determine the role of this variant in disease. Therefore, it has been classified as a Variant of Uncertain Significance.

Eurofins Ntd Llc (ga)
Classification: Uncertain significance. Last evaluated: 2016-09-29. Review status: criteria provided, single submitter. Criteria: EGL Classification Definitions 2015. Collection method: clinical testing. Allele origin: germline. Observed: 1 variant allele, 1 heterozygote.